The following is an entry in ClinVar:

NM_000138.5(FBN1):c.4061G>A (p.Trp1354Ter)

Gene: FBN1 (fibrillin 1; minus strand). Cytogenetic location: 15q21.1.
Variant type: single nucleotide variant.
Coding change: c.4061G>A on transcript NM_000138.5 (MANE Select); coding-DNA position 4061, G replaced by A.
Protein change: p.Trp1354Ter; replaces tryptophan 1354 with a stop codon.
Molecular consequence: nonsense.
Genome position (GRCh38, 1-based): chr15:48,474,554, C>T on the plus strand (G>A on the coding strand, the complement: FBN1 is on the minus strand). VCF-style: chr15-48474554-C-T. GRCh37 (hg19) VCF-style: chr15-48766751-C-T.
Other names: short protein forms W1354*.
Identifiers: ClinVar variation 406293 (VCV000406293.9), dbSNP rs1060501039, ClinGen allele CA16614649.

ClinVar aggregate classification (germline): Pathogenic. Review status: criteria provided, multiple submitters, no conflicts (2 of 4 stars). 5 submissions from 4 submitters: Pathogenic (3). 2 of the submissions do not count toward it. Last evaluated 2022-05-24.

Conditions:
Marfan syndrome (MFS). Also called: Marfan syndrome, classic; Marfan syndrome type 1; Marfan's syndrome; MARFAN SYNDROME, TYPE I; FBN1-Related Marfan Syndrome. Identifiers: Orphanet 284963, Orphanet 558, MedGen C0024796, MONDO:0007947, OMIM 154700.
Familial thoracic aortic aneurysm and aortic dissection (TAAD). Also called: Thoracic aortic aneurysms and dissections. Identifiers: Orphanet 91387, MedGen C4707243, MONDO:0019625.

Submissions (5):

GeneDx
Classification: Pathogenic. Last evaluated: 2022-05-24. Review status: criteria provided, single submitter. Criteria: GeneDx Variant Classification Process June 2021. Collection method: clinical testing. Allele origin: germline. Affected: yes.
Comment: Nonsense variant predicted to result in protein truncation or nonsense mediated decay in a gene for which loss of function is a known mechanism of disease; Not observed at significant frequency in large population cohorts (gnomAD); Reported in a review article of FBN1 variants identified in four international databases; no phenotypic data was provided for this variant (Groth et al., 2017); This variant is associated with the following publications: (PMID: 27906200)

Labcorp Genetics (formerly Invitae), Labcorp
Classification: Pathogenic for Marfan syndrome. Last evaluated: 2016-07-14. Review status: criteria provided, single submitter. Criteria: Invitae Variant Classification Sherloc (09022015). Collection method: clinical testing. Allele origin: germline.
Comment: This sequence change creates a premature translational stop signal at codon 1354 (p.Trp1354*) of the FBN1 gene. It is expected to result in an absent or disrupted protein product. While this particular variant has not been reported in the literature, truncating variants in FBN1 are known to be pathogenic (PMID: 17657824, 19293843). This variant has been reported in individuals in the Universal Mutation Database (PMID: 12938084 ). For these reasons, this variant has been classified as Pathogenic.

Labcorp Genetics (formerly Invitae), Labcorp
Classification: Pathogenic for Marfan syndrome; Familial thoracic aortic aneurysm and aortic dissection. Last evaluated: 2016-07-14. Review status: criteria provided, single submitter. Criteria: Invitae Variant Classification Sherloc (09022015). Collection method: clinical testing. Allele origin: germline.
Comment: This sequence change creates a premature translational stop signal at codon 1354 (p.Trp1354*) of the FBN1 gene. It is expected to result in an absent or disrupted protein product. For these reasons, this variant has been classified as Pathogenic. While this particular variant has not been reported in the literature, truncating variants in FBN1 are known to be pathogenic (PMID: 17657824, 19293843). This variant has been reported in individuals in the Universal Mutation Database (PMID: 12938084 ).

Center for Medical Genetics Ghent, University of Ghent
Classification: Likely pathogenic for Marfan syndrome. Last evaluated: 2017-11-07. Review status: no assertion criteria provided. Collection method: clinical testing. Allele origin: germline. Affected: yes. Not counted in ClinVar's aggregate classification.

Clinical Molecular Genetics Laboratory, Johns Hopkins All Children's Hospital
Classification: Likely pathogenic for Marfan syndrome. Last evaluated: 2016-10-04. Review status: no assertion criteria provided. Collection method: clinical testing. Allele origin: germline. Inheritance: Autosomal dominant inheritance. Affected: yes. Observed: 1 heterozygote. Not counted in ClinVar's aggregate classification.

Literature cited by the submitters: PubMed 17657824 (cited by Labcorp Genetics (formerly Invitae), Labcorp); PubMed 19293843 (cited by Labcorp Genetics (formerly Invitae), Labcorp); PubMed 12938084 (cited by Labcorp Genetics (formerly Invitae), Labcorp).